The following is an entry in ClinVar:

NM_000091.5(COL4A3):c.2621_2622delinsT (p.Gly874fs)

Genes: COL4A3 (collagen type IV alpha 3 chain; plus strand), MFF-DT (MFF divergent transcript; minus strand). Cytogenetic location: 2q36.3.
Variant type: Indel.
Coding change: c.2621_2622delinsT on transcript NM_000091.5 (MANE Select); coding-DNA positions 2621 to 2622, GA replaced by T.
Protein change: p.Gly874fs; shifts the reading frame from glycine 874.
Molecular consequence: frameshift variant.
Genome position (GRCh38, 1-based): chr2:227,282,497-227,282,498, GA replaced by T. VCF-style: chr2-227282497-GA-T. GRCh37 (hg19) VCF-style: chr2-228147213-GA-T.
Other names: c.2621_2622delGAinsT (NM_000091.4); short protein forms G874fs.
Identifiers: ClinVar variation 551951 (VCV000551951.18), dbSNP rs1553760257, ClinGen allele CA658822698.

ClinVar aggregate classification (germline): Pathogenic. Review status: criteria provided, multiple submitters, no conflicts (2 of 4 stars). 7 submissions from 7 submitters: Pathogenic (6). 1 of the submissions does not count toward it. Last evaluated 2025-12-12.

Conditions:
Alport syndrome. Also called: Hemorrhagic familial nephritis; Hemorrhagic hereditary nephritis; Congenital hereditary hematuria. Identifiers: Orphanet 63, MedGen C1567741, MONDO:0018965.
Autosomal dominant Alport syndrome (ATS3A). Also called: Alport syndrome dominant type; Renal failure and sensorineural hearing loss; ALPORT SYNDROME 3A, AUTOSOMAL DOMINANT. Identifiers: Orphanet 63, Orphanet 88918, MedGen C5882663, MONDO:0007086, OMIM 104200.
Hematuria, benign familial, 2 (BFH2). Identifiers: MedGen C5830421, MONDO:0958186, OMIM 620320.
Alport syndrome 3b, autosomal recessive. Identifiers: MedGen C5882699, MONDO:0957811, OMIM 620536.
Autosomal recessive Alport syndrome (ATS2). Also called: COL4A4 Alport Syndrome and Thin Basement Membrane Nephropathy; COL4A3-Related Nephropathy; ALPORT SYNDROME 2, AUTOSOMAL RECESSIVE; Alport syndrome type 2. Identifiers: Orphanet 63, Orphanet 88919, MedGen C4746745, MONDO:0008762, OMIM 203780.

Submissions (7):

Natera, Inc.
Classification: Pathogenic for Alport syndrome. Last evaluated: 2025-12-12. Review status: criteria provided, single submitter. Criteria: Natera Variant Classification Schema (03/2026). Collection method: clinical testing. Allele origin: germline.
Comment: The c.2621_2622delGAinsT variant in COL4A3 is a frameshift variant predicted to shift the reading frame beginning at codon 874 and leads to a stop codon 9 codons downstream. This variant is expected to result in nonsense mediated decay, truncation, or a dysfunctional protein product. This variant is rare in the general population with a frequency below the threshold expected for the associated phenotype(s). This variant has been observed in one or more individuals affected with the associated recessive disease, as either homozygous or compound heterozygous with a second variant (PMID: 24854265). Given the available evidence, this variant is classified as Pathogenic.

GeneDx
Classification: Pathogenic. Last evaluated: 2025-10-24. Review status: criteria provided, single submitter. Criteria: GeneDx Variant Classification Process June 2021. Collection method: clinical testing. Allele origin: germline. Affected: yes.
Comment: Identified as a single heterozygous variant in a patient with Alport syndrome in published literature; however, also identified as heterozygous in an unaffected adult sibling (PMID: 11134255); Frameshift variant predicted to result in protein truncation or nonsense mediated decay in a gene for which loss of function is a known mechanism of disease; This variant is associated with the following publications: (PMID: 24854265, 24052634, 28117080, 25514610, 11134255)

Fulgent Genetics
Classification: Pathogenic for Autosomal dominant Alport syndrome; Hematuria, benign familial, 2; Alport syndrome 3b, autosomal recessive. Last evaluated: 2024-02-01. Review status: criteria provided, single submitter. Criteria: ACMG Guidelines, 2015. Collection method: clinical testing. Allele origin: germline.

Labcorp Genetics (formerly Invitae), Labcorp
Classification: Pathogenic. Last evaluated: 2023-12-07. Review status: criteria provided, single submitter. Criteria: Invitae Variant Classification Sherloc (09022015). Collection method: clinical testing. Allele origin: germline.
Comment: This sequence change creates a premature translational stop signal (p.Gly874Valfs*9) in the COL4A3 gene. It is expected to result in an absent or disrupted protein product. Loss-of-function variants in COL4A3 are known to be pathogenic (PMID: 8956999, 24854265, 26809805, 27281700). Information on the frequency of this variant in the gnomAD database is not available, as this variant may be reported differently in the database. This premature translational stop signal has been observed in individual(s) with Alport syndrome (PMID: 11134255, 24052634, 24854265, 25514610, 28117080). This variant is also known as 2621delGAinsT. ClinVar contains an entry for this variant (Variation ID: 551951). For these reasons, this variant has been classified as Pathogenic.

Revvity Omics, Revvity
Classification: Pathogenic. Last evaluated: 2021-06-11. Review status: criteria provided, single submitter. Criteria: ACMG Guidelines, 2015. Collection method: clinical testing. Allele origin: germline.

Women's Health and Genetics/Laboratory Corporation of America, LabCorp
Classification: Pathogenic for Autosomal recessive Alport syndrome. Last evaluated: 2021-04-21. Review status: criteria provided, single submitter. Criteria: LabCorp Variant Classification Summary - May 2015. Collection method: clinical testing. Allele origin: germline.
Comment: Variant summary: COL4A3 c.2621_2622delinsT (p.Gly874ValfsX9) results in a premature termination codon, predicted to cause a truncation of the encoded protein or absence of the protein due to nonsense mediated decay, which are commonly known mechanisms for disease. Truncations downstream of this position have been classified as pathogenic by our laboratory. The variant allele was found at a frequency of 3.6e-05 in 280726 control chromosomes (gnomAD). This frequency is not higher than expected for a pathogenic variant in COL4A3 causing Alport Syndrome, Autosomal Recessive (3.6e-05 vs 0.0019), allowing no conclusion about variant significance. c.2621_2622delinsT has been reported in the literature in multiple individuals affected with Alport Syndrome, Autosomal Recessive, including one homozygous patient (Heidet_2001, Storey_2013, Moriniere_2014, Papazachariou_2014, Bierzynska_2017). These data indicate that the variant is very likely to be associated with disease. To our knowledge, no experimental evidence demonstrating an impact on protein function has been reported. Two ClinVar submitters (evaluation after 2014) cite the variant as pathogenic. Based on the evidence outlined above, the variant was classified as pathogenic.

Counsyl
Classification: Pathogenic for Autosomal recessive Alport syndrome. Last evaluated: 2017-05-17. Review status: no assertion criteria provided. Collection method: clinical testing. Allele origin: unknown. Not counted in ClinVar's aggregate classification.

Literature cited by the submitters: PubMed 24854265 (cited by 3 submitters); PubMed 8956999 (cited by Labcorp Genetics (formerly Invitae), Labcorp); PubMed 26809805 (cited by Labcorp Genetics (formerly Invitae), Labcorp); PubMed 27281700 (cited by Labcorp Genetics (formerly Invitae), Labcorp); PubMed 11134255 (cited by Labcorp Genetics (formerly Invitae), Labcorp and Women's Health and Genetics/Laboratory Corporation of America, LabCorp); PubMed 24052634 (cited by 3 submitters); PubMed 25514610 (cited by Labcorp Genetics (formerly Invitae), Labcorp and Women's Health and Genetics/Laboratory Corporation of America, LabCorp); PubMed 28117080 (cited by Labcorp Genetics (formerly Invitae), Labcorp and Women's Health and Genetics/Laboratory Corporation of America, LabCorp).